The following is an entry in ClinVar:

ClinVar aggregate classification (germline): Conflicting classifications of pathogenicity. Review status: criteria provided, conflicting classifications (1 of 4 stars). 8 submissions from 8 submitters: Uncertain significance (6); Likely benign (2). Last evaluated 2025-11-17.

Conditions:
OFD1-related disorder. Also called: OFD1-related condition.
Joubert syndrome. Also called: Familial aplasia of the vermis; JOUBERT-BOLTSHAUSER SYNDROME. Identifiers: Orphanet 475, MedGen C5979921, MONDO:0018772.
Orofaciodigital syndrome I (OFD1). Also called: Oral-Facial-Digital Syndrome Type I; OFDS I; Papillon-Leage and Psaume Syndrome. Identifiers: Orphanet 2750, MedGen C1510460, MONDO:0010702, OMIM 311200.
Primary ciliary dyskinesia. Also called: Ciliary dyskinesia. Identifiers: Orphanet 244, MedGen C0008780, MONDO:0016575, HP:0012265.
Simpson-Golabi-Behmel syndrome type 2. Identifiers: Orphanet 79022, MedGen C1846175, MONDO:0010265, OMIM 300209.

Submissions (8):

Labcorp Genetics (formerly Invitae), Labcorp
Classification: Uncertain significance for Orofaciodigital syndrome I; Joubert syndrome. Last evaluated: 2025-11-17. Review status: criteria provided, single submitter. Criteria: Invitae Variant Classification Sherloc (09022015). Collection method: clinical testing. Allele origin: germline.
Comment: This sequence change creates a premature translational stop signal (p.Ser337Glufs*3) in the OFD1 gene. However, it is currently unclear if variants that occur in this region of the gene cause disease. This variant is present in population databases (rs768758460, gnomAD 0.06%), and has an allele count higher than expected for a pathogenic variant. This variant has not been reported in the literature in individuals affected with OFD1-related conditions. ClinVar contains an entry for this variant (Variation ID: 220124). Experimental studies and prediction algorithms are not available or were not evaluated, and the functional significance of this variant is currently unknown. Algorithms developed to predict the effect of sequence changes on RNA splicing suggest that this variant may disrupt the consensus splice site. In summary, the available evidence is currently insufficient to determine the role of this variant in disease. Therefore, it has been classified as a Variant of Uncertain Significance.

PreventionGenetics, part of Exact Sciences
Classification: Uncertain significance for OFD1-related condition. Last evaluated: 2025-06-19. Review status: criteria provided, single submitter. Criteria: ACMG Guidelines, 2015. Collection method: clinical testing. Allele origin: germline.
Comment: The OFD1 c.1007dupA variant is predicted to result in a frameshift and premature protein termination (p.Ser337Glufs*3). To our knowledge, this variant has not been reported in literature. Of note, protein truncating variants in this gene have been commonly reported to be causative for Oral-facial-digital syndrome type I, which is a male-lethal X-linked dominant condition (Human Gene Mutation Database). However, this variant is located in an alternatively spliced exon in this gene and there are six hemizygotes documented in the gnomAD database. Therefore, the clinical significance of this variant is uncertain due to the absence of conclusive functional and genetic evidence.

CeGaT Center for Human Genetics Tuebingen
Classification: Likely benign. Last evaluated: 2024-11-01. Review status: criteria provided, single submitter. Criteria: CeGaT Center For Human Genetics Tuebingen Variant Classification Criteria Version 2. Collection method: clinical testing. Allele origin: germline. Affected: yes. Observed: 1 variant allele.
Comment: OFD1: BS2

Women's Health and Genetics/Laboratory Corporation of America, LabCorp
Classification: Uncertain significance. Last evaluated: 2024-04-09. Review status: criteria provided, single submitter. Criteria: LabCorp Variant Classification Summary - May 2015. Collection method: clinical testing. Allele origin: germline.
Comment: Variant summary: OFD1 c.1007dupA (p.Ser337GlufsX3) results in a premature termination codon, predicted to cause a truncation of the encoded protein or absence of the protein due to nonsense mediated decay, which are commonly known mechanisms for disease. However, it is unclear if this region of the gene is critical for the normal function of the protein. The variant allele was found at a frequency of 0.0001 in 182580 control chromosomes (gnomAD), including 5 hemizygotes. To our knowledge, no occurrence of c.1007dupA in individuals affected with Orofaciodigital Syndrome I and no experimental evidence demonstrating its impact on protein function have been reported. ClinVar contains an entry for this variant (Variation ID: 220124). Based on the evidence outlined above, the variant was classified as uncertain significance.

Mendelics
Classification: Uncertain significance for Simpson-Golabi-Behmel syndrome type 2. Last evaluated: 2023-06-19. Review status: criteria provided, single submitter. Criteria: Mendelics Assertion Criteria 2019. Collection method: clinical testing. Allele origin: germline.

Blueprint Genetics
Classification: Uncertain significance. Last evaluated: 2022-12-02. Review status: criteria provided, single submitter. Criteria: ACMG Guidelines, 2015. Collection method: clinical testing. Allele origin: germline.

GeneDx
Classification: Uncertain significance. Last evaluated: 2019-04-25. Review status: criteria provided, single submitter. Criteria: GeneDx Variant Classification Process June 2021. Collection method: clinical testing. Allele origin: germline. Affected: yes.
Comment: Frameshift variant predicted to result in nonsense mediated decay in a gene for which loss-of-function is a known mechanism of disease; Has not been previously published as pathogenic or benign to our knowledge

Ambry Genetics
Classification: Likely benign for Primary ciliary dyskinesia. Last evaluated: 2018-08-27. Review status: criteria provided, single submitter. Criteria: Ambry Variant Classification Scheme 2023. Collection method: clinical testing. Allele origin: germline.

Literature cited by the submitters: PubMed 11179005 (cited by Ambry Genetics); PubMed 12595504 (cited by Ambry Genetics).

NM_003611.3(OFD1):c.1007dup (p.Ser337fs)

Gene: OFD1 (OFD1 centriole and centriolar satellite protein; plus strand). Cytogenetic location: Xp22.2.
Variant type: Duplication.
Coding change: c.1007dup on transcript NM_003611.3 (MANE Select); coding-DNA position 1007, one base duplicated (A; older notation c.1007dupA).
Protein change: p.Ser337fs; shifts the reading frame from serine 337.
Molecular consequence: frameshift variant. On other transcripts: intron variant (1).
Genome position (GRCh38, 1-based): chrX:13,751,320, A duplicated; the last of 3 consecutive A bases (chrX:13,751,318-13,751,320); duplicating any one gives the same sequence. VCF-style (leftmost placement, unchanged base first): chrX-13751317-T-TA. GRCh37 (hg19) VCF-style: chrX-13769436-T-TA.
Other names: c.1007dupA (NM_003611.2, NM_003611.3); c.587dup, p.Ser197fs (NM_001330210.2); c.935+1787dup (NM_001330209.2); short protein forms S197fs, S337fs.
Identifiers: ClinVar variation 220124 (VCV000220124.31), dbSNP rs749448671, ClinGen allele CA348335.
Genomic context (GRCh38, chrX:13,751,317, plus strand): 5'-AGCTCCAGGAAGAAAAACATAAAAGCATAACTGAGGCACTTAGGAGACAGGAGCAGAATA[T>TA]AAAGAGTTTTGAGGAGACCTATGACCGAAAGCTCAAGAATGAACTTCTAAAGTAATTGTT-3'